The following is an entry in ClinVar:

ClinVar aggregate classification (germline): Pathogenic (1 of 4 stars; one submission).

Submission:

Labcorp Genetics (formerly Invitae), Labcorp
Classification: Pathogenic. Last evaluated: 2022-06-20. Review status: criteria provided, single submitter. Criteria: Invitae Variant Classification Sherloc (09022015). Collection method: clinical testing. Allele origin: germline.
Comment: This variant is not present in population databases (gnomAD no frequency). This sequence change creates a premature translational stop signal (p.Leu769Profs*52) in the PDE6A gene. While this is not anticipated to result in nonsense mediated decay, it is expected to disrupt the last 92 amino acid(s) of the PDE6A protein. This premature translational stop signal has been observed in individual(s) with retinitis pigmentosa (Invitae). For these reasons, this variant has been classified as Pathogenic. This variant disrupts a region of the PDE6A protein in which other variant(s) (p.Glu794del) have been determined to be pathogenic (Invitae). This suggests that this is a clinically significant region of the protein, and that variants that disrupt it are likely to be disease-causing.

NM_000440.3(PDE6A):c.2306del (p.Leu769fs)

Gene: PDE6A (phosphodiesterase 6A; minus strand). Cytogenetic location: 5q32.
Variant type: Deletion.
Coding change: c.2306del on transcript NM_000440.3 (MANE Select); coding-DNA position 2306, one base deleted (T; older notation c.2306delT).
Protein change: p.Leu769fs; shifts the reading frame from leucine 769.
Molecular consequence: frameshift variant.
Genome position (GRCh38, 1-based): chr5:149,866,222, A deleted on the plus strand (T on the coding strand, the reverse complement: PDE6A is on the minus strand). VCF-style (leftmost placement, unchanged base first): chr5-149866221-GA-G. GRCh37 (hg19) VCF-style: chr5-149245784-GA-G.
Other names: short protein forms L769fs.
Identifiers: ClinVar variation 1457627 (VCV001457627.6), dbSNP rs2113503448, ClinGen allele CA2573139265.